The following is an entry in ClinVar:

ClinVar aggregate classification (germline): Likely pathogenic (1 of 4 stars; one submission).

Conditions:
Spermatogenic failure 37. Identifiers: MedGen C5193091, MONDO:0032744, OMIM 618429.

Submission:

First Genomix Gene Laboratory, Genetic Diagnostics Department
Classification: Likely pathogenic for Spermatogenic failure 37. Last evaluated: 2025-08-04. Review status: criteria provided, single submitter. Criteria: ACMG Guidelines, 2015. Collection method: clinical testing. Allele origin: germline. Inheritance: Autosomal recessive inheritance. Affected: no. Observed: 1 variant allele.

NM_001366900.1(TTC21A):c.435+1G>A

Gene: TTC21A (tetratricopeptide repeat domain 21A; plus strand). Cytogenetic location: 3p22.2.
Variant type: single nucleotide variant.
Coding change: c.435+1G>A on transcript NM_001366900.1 (MANE Select); the canonical splice donor site of the intron after coding-DNA position 435, G replaced by A.
Molecular consequence: splice donor variant.
Genome position (GRCh38, 1-based): chr3:39,111,018, G>A. VCF-style: chr3-39111018-G-A. GRCh37 (hg19) VCF-style: chr3-39152509-G-A.
Other names: c.435+1G>A (NM_001366899.1, NM_145755.3, NM_001105513.3).
Identifiers: ClinVar variation 4850584 (VCV004850584.1).
Genomic context (GRCh38, chr3:39,111,018, plus strand): 5'-CATGACAAGGCCAAAGAGTACATTGACCGCATGCTGAAGATTTCTAGAGGCTTCAGAGAG[G>A]TACTTACCACACCATGGGGACAACAGGCGAAGAAAGCAGCATCCAAACACATAATAGCAG-3'